The following is an entry in ClinVar:

NM_001358530.2(MOCS1):c.*1113T>G

Gene: MOCS1 (molybdenum cofactor synthesis 1; minus strand). Cytogenetic location: 6p21.2.
Variant type: single nucleotide variant.
Coding change: c.*1113T>G on transcript NM_001358530.2 (MANE Select); 1113 bases downstream of the stop codon, T replaced by G.
Molecular consequence: 3 prime UTR variant. On other transcripts: non-coding transcript variant (1).
Genome position (GRCh38, 1-based): chr6:39,905,244, A>C on the plus strand (T>G on the coding strand, the complement: MOCS1 is on the minus strand). VCF-style: chr6-39905244-A-C. GRCh37 (hg19) VCF-style: chr6-39873020-A-C.
Other names: c.*1881T>G (NM_001075098.4, NM_001358533.2, NM_001358534.2 and 1 more transcripts); c.*1113T>G (NM_001358529.2, NM_001358531.2).
Identifiers: ClinVar variation 356611 (VCV000356611.5), dbSNP rs3828937, ClinGen allele CA3795673.

ClinVar aggregate classification (germline): Benign (1 of 4 stars; one submission).

Conditions:
Sulfite oxidase deficiency due to molybdenum cofactor deficiency type A. Also called: Molybdenum Cofactor Deficiency A; Molybdenum cofactor deficiency, complementation group A. Identifiers: Orphanet 308386, Orphanet 833, MedGen C1854988, MONDO:0009643, OMIM 252150.

Allele frequency attached by ClinVar (database versions not stated): gnomAD 0.00672 and 0.01053; gnomAD exomes 0.01301 and 0.02470; ExAC 0.01821; TOPMed 0.01938; 1000 Genomes Project 30x 0.05684; 1000 Genomes Project 0.06110.
gnomAD v4.1: 5,522 of 454,328 alleles (1.2%); highest among the groups gnomAD compares: East Asian, 25%; 497 homozygotes.

Submission:

Illumina Laboratory Services, Illumina
Classification: Benign for Sulfite oxidase deficiency due to molybdenum cofactor deficiency type A. Last evaluated: 2018-01-13. Review status: criteria provided, single submitter. Criteria: ICSL Variant Classification Criteria 13 December 2019. Collection method: clinical testing. Allele origin: germline.
Comment: This variant was observed in the ICSL laboratory as part of a predisposition screen in an ostensibly healthy population. It had not been previously curated by ICSL or reported in the Human Gene Mutation Database (HGMD: prior to June 1st, 2018), and was therefore a candidate for classification through an automated scoring system. Utilizing variant allele frequency, disease prevalence and penetrance estimates, and inheritance mode, an automated score was calculated to assess if this variant is too frequent to cause the disease. Based on the score and internal cut-off values, a variant classified as benign is not then subjected to further curation. The score for this variant resulted in a classification of benign for this disease.